The following is an entry in ClinVar:

NM_014915.3(ANKRD26):c.3114A>T (p.Arg1038Ser)

Gene: ANKRD26 (ankyrin repeat domain containing 26; minus strand). Cytogenetic location: 10p12.1.
Variant type: single nucleotide variant.
Coding change: c.3114A>T on transcript NM_014915.3 (MANE Select); coding-DNA position 3114, A replaced by T.
Protein change: p.Arg1038Ser; replaces arginine 1038 with serine.
Molecular consequence: missense variant.
Genome position (GRCh38, 1-based): chr10:27,035,336, T>A on the plus strand (A>T on the coding strand, the complement: ANKRD26 is on the minus strand). VCF-style: chr10-27035336-T-A. GRCh37 (hg19) VCF-style: chr10-27324265-T-A.
Other names: c.3111A>T, p.Arg1037Ser (NM_001256053.2); short protein forms R1038S, R1037S.
Identifiers: ClinVar variation 4104390 (VCV004104390.1).

ClinVar aggregate classification (germline): Uncertain significance (1 of 4 stars; one submission).

Conditions:
Inborn genetic diseases. Identifiers: MedGen C0950123, MeSH D030342.

Submission:

Ambry Genetics
Classification: Uncertain significance for Inborn genetic diseases. Last evaluated: 2025-08-20. Review status: criteria provided, single submitter. Criteria: Ambry Variant Classification Scheme 2023. Collection method: clinical testing. Allele origin: germline.
Comment: The p.R1038S variant (also known as c.3114A>T), located in coding exon 24 of the ANKRD26 gene, results from an A to T substitution at nucleotide position 3114. The arginine at codon 1038 is replaced by serine, an amino acid with dissimilar properties. This amino acid position is conserved. In addition, this alteration is predicted to be tolerated by in silico analysis. Based on the available evidence, the clinical significance of this variant remains unclear.